The following is an entry in ClinVar:

ClinVar aggregate classification (germline): Uncertain significance. Review status: criteria provided, multiple submitters, no conflicts (2 of 4 stars). 8 submissions from 8 submitters: Uncertain significance (8). Last evaluated 2025-10-13.

Conditions:
Hereditary nonpolyposis colorectal neoplasms. Identifiers: MedGen C0009405, MeSH D003123.
PMS2-related disorder. Also called: PMS2-related condition.
Hereditary cancer-predisposing syndrome. Also called: Hereditary neoplastic syndrome; Hereditary Cancer Syndrome; Neoplastic Syndromes, Hereditary; Tumor predisposition. Identifiers: Orphanet 140162, MedGen C0027672, MeSH D009386, MONDO:0015356.
Lynch syndrome. Identifiers: Orphanet 144, MedGen C4552100, MONDO:0005835. Disease mechanism: loss of function.
Lynch syndrome 4 (LYNCH4). Also called: Colorectal cancer, hereditary nonpolyposis, type 4; Hereditary non-polyposis colorectal cancer, type 4. Identifiers: Orphanet 144, MedGen C1838333, MONDO:0013699, OMIM 614337. Disease mechanism: loss of function.

Allele frequency attached by ClinVar (database versions not stated): gnomAD exomes 0.00001.
gnomAD v4.1: 7 of 1,610,638 alleles (0.00043%); highest among the groups gnomAD compares: Non-Finnish European, 0.00059%; no homozygotes.

Submissions (8):

Labcorp Genetics (formerly Invitae), Labcorp
Classification: Uncertain significance for Hereditary nonpolyposis colorectal neoplasms. Last evaluated: 2025-10-13. Review status: criteria provided, single submitter. Criteria: Invitae Variant Classification Sherloc (09022015). Collection method: clinical testing. Allele origin: germline.
Comment: This sequence change replaces alanine, which is neutral and non-polar, with serine, which is neutral and polar, at codon 14 of the PMS2 protein (p.Ala14Ser). This variant is not present in population databases (gnomAD no frequency). This variant has not been reported in the literature in individuals affected with PMS2-related conditions. ClinVar contains an entry for this variant (Variation ID: 234477). Invitae Evidence Modeling incorporating data from in vitro experimental studies (internal data) indicates that this missense variant is not expected to disrupt PMS2 function with a negative predictive value of 95%. In summary, the available evidence is currently insufficient to determine the role of this variant in disease. Therefore, it has been classified as a Variant of Uncertain Significance.

Ambry Genetics
Classification: Uncertain significance for Hereditary cancer-predisposing syndrome. Last evaluated: 2025-08-02. Review status: criteria provided, single submitter. Criteria: Ambry Variant Classification Scheme 2023. Collection method: clinical testing. Allele origin: germline.
Comment: The p.A14S variant (also known as c.40G>T), located in coding exon 2 of the PMS2 gene, results from a G to T substitution at nucleotide position 40. The alanine at codon 14 is replaced by serine, an amino acid with similar properties. This amino acid position is not well conserved in available vertebrate species. In addition, the in silico prediction for this alteration is inconclusive. Since supporting evidence is limited at this time, the clinical significance of this alteration remains unclear.

Color Diagnostics, LLC DBA Color Health
Classification: Uncertain significance for Hereditary cancer-predisposing syndrome. Last evaluated: 2024-03-06. Review status: criteria provided, single submitter. Criteria: ACMG Guidelines, 2015. Collection method: clinical testing. Allele origin: germline.
Comment: This missense variant replaces alanine with serine at codon 14 of the PMS2 protein. Computational prediction suggests that this variant may not impact protein structure and function (internally defined REVEL score threshold <= 0.5, PMID: 27666373). To our knowledge, functional studies have not been reported for this variant. This variant has not been reported in individuals affected with PMS2-related disorders in the literature. This variant has not been identified in the general population by the Genome Aggregation Database (gnomAD). The available evidence is insufficient to determine the role of this variant in disease conclusively. Therefore, this variant is classified as a Variant of Uncertain Significance.

Baylor Genetics
Classification: Uncertain significance for Lynch syndrome 4. Last evaluated: 2024-01-24. Review status: criteria provided, single submitter. Criteria: ACMG Guidelines, 2015. Collection method: clinical testing. Allele origin: unknown.

All of Us Research Program, National Institutes of Health
Classification: Uncertain significance for Lynch syndrome. Last evaluated: 2023-05-04. Review status: criteria provided, single submitter. Criteria: ACMG Guidelines, 2015. Collection method: clinical testing. Allele origin: germline. Inheritance: Autosomal dominant inheritance. Observed: 1 variant allele, 1 heterozygote.
Comment: This missense variant replaces alanine with serine at codon 14 of the PMS2 protein. Computational prediction suggests that this variant may not impact protein structure and function (internally defined REVEL score threshold <= 0.5, PMID: 27666373). To our knowledge, functional studies have not been reported for this variant. This variant has not been reported in individuals affected with PMS2-related disorders in the literature. This variant has not been identified in the general population by the Genome Aggregation Database (gnomAD). The available evidence is insufficient to determine the role of this variant in disease conclusively. Therefore, this variant is classified as a Variant of Uncertain Significance.

This study involves interpretation of variants in research participants for the purpose of population health screening. Participant phenotype was not available at the time of variant classification. Additional details can be found in publication PMID: 35346344, PMCID: PMC8962531

PreventionGenetics, part of Exact Sciences
Classification: Uncertain significance for PMS2-related condition. Last evaluated: 2023-01-27. Review status: criteria provided, single submitter. Criteria: ACMG Guidelines, 2015. Collection method: clinical testing. Allele origin: germline.
Comment: The PMS2 c.40G>T variant is predicted to result in the amino acid substitution p.Ala14Ser. To our knowledge, this variant has not been reported in the literature or in a large population database, indicating this variant is rare. This variant is reported with uncertain significance in ClinVar. At this time, the clinical significance of this variant is uncertain due to the absence of conclusive functional and genetic evidence.

GeneDx
Classification: Uncertain significance. Last evaluated: 2022-03-18. Review status: criteria provided, single submitter. Criteria: GeneDx Variant Classification Process June 2021. Collection method: clinical testing. Allele origin: germline. Affected: yes.
Comment: Not observed at significant frequency in large population cohorts (gnomAD); In silico analysis supports that this missense variant does not alter protein structure/function; Has not been previously published as pathogenic or benign to our knowledge; This variant is associated with the following publications: (PMID: 11574484)

Quest Diagnostics Nichols Institute San Juan Capistrano
Classification: Uncertain significance. Last evaluated: 2019-03-25. Review status: criteria provided, single submitter. Criteria: Quest Diagnostics criteria. Collection method: clinical testing. Allele origin: germline.

NM_000535.7(PMS2):c.40G>T (p.Ala14Ser)

Gene: PMS2 (PMS1 homolog 2, mismatch repair system component; minus strand). Cytogenetic location: 7p22.1.
Variant type: single nucleotide variant.
Coding change: c.40G>T on transcript NM_000535.7 (MANE Select); coding-DNA position 40, G replaced by T.
Protein change: p.Ala14Ser; replaces alanine 14 with serine.
Molecular consequence: missense variant. On other transcripts: 5 prime UTR variant (8), non-coding transcript variant (1), intron variant (3).
Genome position (GRCh38, 1-based): chr7:6,006,015, C>A on the plus strand (G>T on the coding strand, the complement: PMS2 is on the minus strand). VCF-style: chr7-6006015-C-A. GRCh37 (hg19) VCF-style: chr7-6045646-C-A.
Other names: c.-366G>T (NM_001322003.2, NM_001322005.2, NM_001322009.2 and 1 more transcripts); c.40G>T, p.Ala14Ser (NM_001322006.2, NM_001322014.2); c.-176G>T (NM_001322007.2); c.-845G>T (NM_001322011.2, NM_001322012.2); c.-445G>T (NM_001322015.2); c.-52-1957G>T (NM_001322008.2); c.-242-1957G>T (NM_001322010.2, NM_001322004.2); short protein forms A14S.
Identifiers: ClinVar variation 234477 (VCV000234477.30), dbSNP rs876661039, ClinGen allele CA10577359.